The following is an entry in ClinVar:

NM_000642.3(AGL):c.1611+1G>A

Gene: AGL (amylo-alpha-1,6-glucosidase and 4-alpha-glucanotransferase; plus strand). Cytogenetic location: 1p21.2.
Variant type: single nucleotide variant.
Coding change: c.1611+1G>A on transcript NM_000642.3 (MANE Select); the canonical splice donor site of the intron after coding-DNA position 1611, G replaced by A.
Molecular consequence: splice donor variant.
Genome position (GRCh38, 1-based): chr1:99,877,829, G>A. VCF-style: chr1-99877829-G-A. GRCh37 (hg19) VCF-style: chr1-100343385-G-A.
Other names: c.1611+1G>A (NM_000643.3, NM_000644.3, NM_001425326.1 and 2 more transcripts); c.1563+1G>A (NM_000646.3); c.1410+1G>A (NM_001425327.1); c.1407+1G>A (NM_001425328.1, NM_001425329.1); c.1233+1G>A (NM_001425332.1).
Identifiers: ClinVar variation 4814430 (VCV004814430.1).
Genomic context (GRCh38, chr1:99,877,829, plus strand): 5'-ACTTATTTCCAGGGAGTACGTCTTGATAACTGCCACTCAACACCTCTTCACGTAGCTGAG[G>A]TACAGAAAAACAATTTATCTACATTAAGAAAAGAAATTCAGTGTTCCTTCCTAGCTTTCC-3'

ClinVar aggregate classification (germline): Likely pathogenic (1 of 4 stars; one submission).

Conditions:
Glycogen storage disease type III (GSD3). Also called: FORBES DISEASE; Cori disease. Identifiers: Orphanet 366, MedGen C0017922, MONDO:0009291, OMIM 232400.

Submission:

Natera, Inc.
Classification: Likely pathogenic for Glycogen storage disease type III. Last evaluated: 2024-08-27. Review status: criteria provided, single submitter. Criteria: Natera Variant Classification Schema (03/2026). Collection method: clinical testing. Allele origin: germline.
Comment: The c.1611+1G>A variant in AGL is a canonical splice donor site variant predicted to affect pre-mRNA splicing, which may result in an abnormal transcript and altered protein product. This variant is expected to result in nonsense mediated decay, truncation, or a dysfunctional protein product. This variant is rare in the general population with a frequency below the threshold expected for the associated phenotype(s). Given the available evidence, this variant is classified as Likely Pathogenic.